The following is an entry in ClinVar:

NM_005159.5(ACTC1):c.694G>T (p.Ala232Ser)

Genes: ACTC1 (actin alpha cardiac muscle 1; minus strand), GJD2-DT (GJD2 divergent transcript; plus strand). Cytogenetic location: 15q14.
Variant type: single nucleotide variant.
Coding change: c.694G>T on transcript NM_005159.5 (MANE Select); coding-DNA position 694, G replaced by T.
Protein change: p.Ala232Ser; replaces alanine 232 with serine.
Molecular consequence: missense variant.
Genome position (GRCh38, 1-based): chr15:34,792,204, C>A on the plus strand (G>T on the coding strand, the complement: ACTC1 is on the minus strand). VCF-style: chr15-34792204-C-A. GRCh37 (hg19) VCF-style: chr15-35084405-C-A.
Other names: c.694G>T, p.Ala232Ser (NM_001406482.1, NM_001406483.1); c.559G>T, p.Ala187Ser (NM_001406484.1); c.253G>T, p.Ala85Ser (NM_001406485.1); short protein forms A187S, A232S, A85S.
Identifiers: ClinVar variation 3758630 (VCV003758630.2).

ClinVar aggregate classification (germline): Uncertain significance (1 of 4 stars; one submission).

Conditions:
Atrial septal defect 5 (ASD5). Identifiers: Orphanet 1478, MedGen C2748552, MONDO:0013011, OMIM 612794.
Hypertrophic cardiomyopathy 11. Also called: ACTC1-Related Familial Hypertrophic Cardiomyopathy. Identifiers: MedGen C2677506, MONDO:0012799, OMIM 612098.
Dilated cardiomyopathy 1R (CMD1R). Identifiers: Orphanet 154, Orphanet 54260, MedGen C3150681, MONDO:0013261, OMIM 613424.

Submission:

Labcorp Genetics (formerly Invitae), Labcorp
Classification: Uncertain significance for Dilated cardiomyopathy 1R; Hypertrophic cardiomyopathy 11; Atrial septal defect 5. Last evaluated: 2024-09-26. Review status: criteria provided, single submitter. Criteria: Invitae Variant Classification Sherloc (09022015). Collection method: clinical testing. Allele origin: germline.
Comment: This sequence change replaces alanine, which is neutral and non-polar, with serine, which is neutral and polar, at codon 232 of the ACTC1 protein (p.Ala232Ser). This variant is not present in population databases (gnomAD no frequency). This variant has not been reported in the literature in individuals affected with ACTC1-related conditions. Invitae Evidence Modeling of protein sequence and biophysical properties (such as structural, functional, and spatial information, amino acid conservation, physicochemical variation, residue mobility, and thermodynamic stability) indicates that this missense variant is not expected to disrupt ACTC1 protein function with a negative predictive value of 80%. In summary, the available evidence is currently insufficient to determine the role of this variant in disease. Therefore, it has been classified as a Variant of Uncertain Significance.